The following is an entry in ClinVar:

NM_001853.4(COL9A3):c.1357A>G (p.Lys453Glu)

Gene: COL9A3 (collagen type IX alpha 3 chain; plus strand). Cytogenetic location: 20q13.33.
Variant type: single nucleotide variant.
Coding change: c.1357A>G on transcript NM_001853.4 (MANE Select); coding-DNA position 1357, A replaced by G.
Protein change: p.Lys453Glu; replaces lysine 453 with glutamic acid.
Molecular consequence: missense variant.
Genome position (GRCh38, 1-based): chr20:62,833,053, A>G. VCF-style: chr20-62833053-A-G. GRCh37 (hg19) VCF-style: chr20-61464405-A-G.
Other names: short protein forms K453E.
Identifiers: ClinVar variation 1496518 (VCV001496518.6), dbSNP rs771961053, ClinGen allele CA9949914.

ClinVar aggregate classification (germline): Uncertain significance (1 of 4 stars; one submission).

Allele frequency attached by ClinVar (database versions not stated): gnomAD exomes 0.00001 and 0.00004; ExAC 0.00002; gnomAD 0.00003; TOPMed 0.00005.
gnomAD v4.1: 24 of 1,613,434 alleles (0.0015%); highest among the groups gnomAD compares: Admixed American, 0.023%; 1 homozygote.

Submission:

Labcorp Genetics (formerly Invitae), Labcorp
Classification: Uncertain significance. Last evaluated: 2025-07-14. Review status: criteria provided, single submitter. Criteria: Invitae Variant Classification Sherloc (09022015). Collection method: clinical testing. Allele origin: germline.
Comment: This sequence change replaces lysine, which is basic and polar, with glutamic acid, which is acidic and polar, at codon 453 of the COL9A3 protein (p.Lys453Glu). This variant is present in population databases (rs771961053, gnomAD 0.03%). This variant has not been reported in the literature in individuals affected with COL9A3-related conditions. ClinVar contains an entry for this variant (Variation ID: 1496518). Invitae Evidence Modeling of protein sequence and biophysical properties (such as structural, functional, and spatial information, amino acid conservation, physicochemical variation, residue mobility, and thermodynamic stability) indicates that this missense variant is not expected to disrupt COL9A3 protein function with a negative predictive value of 95%. In summary, the available evidence is currently insufficient to determine the role of this variant in disease. Therefore, it has been classified as a Variant of Uncertain Significance.